The following is an entry in ClinVar:

ClinVar aggregate classification (germline): Uncertain significance (1 of 4 stars; one submission).

Allele frequency attached by ClinVar (database versions not stated): gnomAD exomes below 0.00001; TOPMed below 0.00001; ExAC 0.00001.

Submission:

Labcorp Genetics (formerly Invitae), Labcorp
Classification: Uncertain significance. Last evaluated: 2024-10-29. Review status: criteria provided, single submitter. Criteria: Invitae Variant Classification Sherloc (09022015). Collection method: clinical testing. Allele origin: germline.
Comment: This sequence change falls in intron 37 of the LRPPRC gene. It does not directly change the encoded amino acid sequence of the LRPPRC protein. It affects a nucleotide within the consensus splice site. This variant is present in population databases (rs764204956, gnomAD 0.003%). This variant has not been reported in the literature in individuals affected with LRPPRC-related conditions. ClinVar contains an entry for this variant (Variation ID: 2144790). Variants that disrupt the consensus splice site are a relatively common cause of aberrant splicing (PMID: 17576681, 9536098). Algorithms developed to predict the effect of sequence changes on RNA splicing suggest that this variant may disrupt the consensus splice site. In summary, the available evidence is currently insufficient to determine the role of this variant in disease. Therefore, it has been classified as a Variant of Uncertain Significance.

Literature cited by the submitters: PubMed 17576681; PubMed 9536098.

NM_133259.4(LRPPRC):c.4128+6T>C

Gene: LRPPRC (leucine rich pentatricopeptide repeat containing; minus strand). Cytogenetic location: 2p21.
Variant type: single nucleotide variant.
Coding change: c.4128+6T>C on transcript NM_133259.4 (MANE Select); 6 bases into the intron after coding-DNA position 4128, T replaced by C.
Molecular consequence: intron variant.
Genome position (GRCh38, 1-based): chr2:43,889,728, A>G on the plus strand (T>C on the coding strand, the complement: LRPPRC is on the minus strand). VCF-style: chr2-43889728-A-G. GRCh37 (hg19) VCF-style: chr2-44116867-A-G.
Identifiers: ClinVar variation 2144790 (VCV002144790.3), dbSNP rs764204956, ClinGen allele CA1637810.
Genomic context (GRCh38, chr2:43,889,728, plus strand): 5'-CACATTGTTATGAAGTGCACATAAATCTGCAGAGGTATTTTTTCCCCTTAATTAAGAAAT[A>G]CTCACAGGGGGTTCAATGAAAGGGACAGGCTCTCCAGCATACTTCAGCAAAGATGCGTAA-3'